The following is an entry in ClinVar:

ClinVar aggregate classification (germline): Likely pathogenic (1 of 4 stars; one submission).

Submission:

Dasa
Classification: Likely pathogenic. Last evaluated: 2026-04-01. Review status: criteria provided, single submitter. Criteria: DASA Assertion Criteria. Collection method: clinical testing. Allele origin: germline.
Comment: NM_022356.4(P3H1):c.30_37del (p.Thr11Glyfs*23) is a frameshift variant in P3H1 predicted to alter the reading frame and introduce a premature termination codon and is predicted to result in an absent or altered protein product. Loss of function is an established disease mechanism for P3H1-associated disorders. Also, this variant is rare in population databases. Based on the currently available evidence, this variant is classified as likely pathogenic.

NM_022356.4(P3H1):c.30_37del (p.Thr11fs)

Gene: P3H1 (prolyl 3-hydroxylase 1; minus strand). Cytogenetic location: 1p34.2.
Variant type: Deletion.
Coding change: c.30_37del on transcript NM_022356.4 (MANE Select); coding-DNA positions 30 to 37, 8 bases deleted (CACACTGC; older notation c.30_37delCACACTGC).
Protein change: p.Thr11fs; shifts the reading frame from threonine 11.
Molecular consequence: frameshift variant.
Genome position (GRCh38, 1-based): chr1:42,766,935-42,766,942, GCAGTGTG deleted on the plus strand (CACACTGC on the coding strand, the reverse complement: P3H1 is on the minus strand); deleting any 8 consecutive bases within chr1:42,766,935-42,766,943 gives the same sequence; the c. name uses the placement nearest the transcript's 3' end. VCF-style (leftmost placement, unchanged base first): chr1-42766934-AGCAGTGTG-A. GRCh37 (hg19) VCF-style: chr1-43232605-AGCAGTGTG-A.
Other names: c.30_37del, p.Thr11fs (NM_001146289.2, NM_001243246.2); short protein forms T11fs.
Identifiers: ClinVar variation 4886575 (VCV004886575.2).